The following is an entry in ClinVar:

NM_000492.4(CFTR):c.2428A>G (p.Arg810Gly)

Gene: CFTR (CF transmembrane conductance regulator; plus strand). Cytogenetic location: 7q31.2.
Variant type: single nucleotide variant.
Coding change: c.2428A>G on transcript NM_000492.4 (MANE Select); coding-DNA position 2428, A replaced by G.
Protein change: p.Arg810Gly; replaces arginine 810 with glycine.
Molecular consequence: missense variant.
Genome position (GRCh38, 1-based): chr7:117,592,595, A>G. VCF-style: chr7-117592595-A-G. GRCh37 (hg19) VCF-style: chr7-117232649-A-G.
Other names: p.Arg810Gly; short protein forms R810G.
Identifiers: ClinVar variation 53488 (VCV000053488.23), dbSNP rs377447726, ClinGen allele CA326815.

ClinVar aggregate classification (germline): Uncertain significance. Review status: criteria provided, multiple submitters, no conflicts (2 of 4 stars). 11 submissions from 11 submitters: Uncertain significance (9). 2 of the submissions do not count toward it. Last evaluated 2026-01-06.

Conditions:
CFTR-related disorder (CFTR-RD). Also called: CFTR-related disorders; CFTR-related condition. Identifiers: MedGen C5924204, MONDO:7770004.
Cystic fibrosis (CF). Also called: MUCOVISCIDOSIS. Identifiers: Orphanet 586, MedGen C0010674, MONDO:0009061, OMIM 219700. Disease mechanism: loss of function.

Allele frequency attached by ClinVar (database versions not stated): gnomAD exomes 0.00003; ExAC 0.00006; TOPMed 0.00001; gnomAD 0.00001; ESP Exome Variant Server 0.00008.
gnomAD v4.1: 17 of 1,528,370 alleles (0.0011%); highest among the groups gnomAD compares: South Asian, 0.0027%; no homozygotes.

Submissions (11):

Women's Health and Genetics/Laboratory Corporation of America, LabCorp
Classification: Uncertain significance. Last evaluated: 2026-01-06. Review status: criteria provided, single submitter. Criteria: LabCorp Variant Classification Summary - May 2015. Collection method: clinical testing. Allele origin: germline.
Comment: Variant summary: CFTR c.2428A>G (p.Arg810Gly) results in a non-conservative amino acid change located in the CFTR regulator domain (IPR025837) of the encoded protein sequence. Algorithms developed to predict the effect of missense changes on protein structure and function all suggest that this variant is likely to be disruptive. The variant allele was found at a frequency of 2.8e-05 in 180998 control chromosomes. c.2428A>G has been reported in the literature in individuals affected with Congenital Bilateral Absence Of The Vas Deferens (Sobczynska-Tomaczewsk_2006) and Cystic Fibrosis (Wachter_2017, Seyfarth_2018). These data indicate that the variant may be associated with disease. At least one publication reports experimental evidence evaluating an impact on protein function. The most pronounced variant effect resulted in approximately 32% of normal chloride channel conductance relative to wild type (e.g., Bihler_2024). The following publications have been ascertained in the context of this evaluation (PMID: 38388235, 34996830, 30389600, 16572913, 28830496). ClinVar contains an entry for this variant (Variation ID: 53488). Based on the evidence outlined above, the variant was classified as VUS-possibly pathogenic.

Ambry Genetics
Classification: Uncertain significance for Cystic fibrosis. Last evaluated: 2025-12-22. Review status: criteria provided, single submitter. Criteria: Ambry Variant Classification Scheme 2023. Collection method: clinical testing. Allele origin: germline.
Comment: The c.2428A>G (p.R810G) alteration is located in exon 14 (coding exon 14) of the CFTR gene. This alteration results from a A to G substitution at nucleotide position 2428, causing the arginine (R) at amino acid position 810 to be replaced by a glycine (G). Based on data from gnomAD, the G allele has an overall frequency of 0.003% (5/180998) total alleles studied. The highest observed frequency was 0.007% (1/15110) of South Asian alleles. This variant was detected in conjunction with p.F508del in two individuals; one was described as having congenital bilateral absence of the vas deferens (Sobczyska-Tomaszewska, 2006) while the other was identified in a Belgian cystic fibrosis registry and was reported to be pancreatic sufficient with sweat chloride levels of 32mmol/L (De Wachter, 2017); the phase of these alterations was not confirmed. This amino acid position is highly conserved in available vertebrate species. This alteration is predicted to be deleterious by in silico analysis. Based on insufficient or conflicting evidence, the clinical significance of this alteration remains unclear.

Mayo Clinic Laboratories, Mayo Clinic
Classification: Uncertain significance. Last evaluated: 2025-04-22. Review status: criteria provided, single submitter. Criteria: ACMG Guidelines, 2015. Collection method: clinical testing. Allele origin: germline. Observed: 1 variant allele.
Comment: PP3_moderate, PM2_supporting

Quest Diagnostics Nichols Institute San Juan Capistrano
Classification: Uncertain significance. Last evaluated: 2025-02-04. Review status: criteria provided, single submitter. Criteria: Quest Diagnostics criteria. Collection method: clinical testing. Allele origin: unknown.
Comment: The CFTR c.2428A>G (p.Arg810Gly) variant has been reported in the published literature in individuals with congenital absence of the vas deferens (PMIDs: 35913788 (2022), 30600261 (2019), 26277102 (2015)). Functional analysis of the impact of this variant on CFTR protein function was inconclusive (PMID: 38388235 (2024)). The frequency of this variant in the general population (Genome Aggregation Database) is uninformative in the assessment of its pathogenicity. Analysis of this variant using bioinformatics tools for the prediction of the effect of amino acid changes on protein structure and function yielded predictions that this variant is damaging. Based on the available information, we are unable to determine the clinical significance of this variant.

GeneDx
Classification: Uncertain significance. Last evaluated: 2024-12-11. Review status: criteria provided, single submitter. Criteria: GeneDx Variant Classification Process June 2021. Collection method: clinical testing. Allele origin: germline. Affected: yes.
Comment: In silico analysis indicates that this missense variant does not alter protein structure/function; This variant is associated with the following publications: (PMID: 20059485, 34996830, 16572913, 28830496, 30389600)

Institute of Human Genetics, University of Leipzig Medical Center
Classification: Uncertain significance for Cystic fibrosis. Last evaluated: 2022-09-05. Review status: criteria provided, single submitter. Criteria: ACMG Guidelines, 2015. Collection method: curation. Allele origin: unknown. Affected: yes. Observed: 1 variant allele.
Comment: The variant was classified in the context of a project re-classifying variants in the German Cystic Fibrosis Registry (Muko.e.V.). Criteria applied: PM3, PM2_SUP, PP3

Genome-Nilou Lab
Classification: Uncertain significance for Cystic fibrosis. Last evaluated: 2021-09-05. Review status: criteria provided, single submitter. Criteria: ACMG Guidelines, 2015. Collection method: clinical testing. Allele origin: germline. Affected: no.

Labcorp Genetics (formerly Invitae), Labcorp
Classification: Uncertain significance for Cystic fibrosis. Last evaluated: 2021-08-27. Review status: criteria provided, single submitter. Criteria: Invitae Variant Classification Sherloc (09022015). Collection method: clinical testing. Allele origin: germline.
Comment: This sequence change replaces arginine with glycine at codon 810 of the CFTR protein (p.Arg810Gly). The arginine residue is highly conserved and there is a moderate physicochemical difference between arginine and glycine. This variant is present in population databases (rs377447726, ExAC 0.01%). This missense change has been observed in individuals with congenital bilateral absence of the vas deferens (PMID: 16572913). ClinVar contains an entry for this variant (Variation ID: 53488). Algorithms developed to predict the effect of missense changes on protein structure and function are either unavailable or do not agree on the potential impact of this missense change (SIFT: "Deleterious"; PolyPhen-2: "Probably Damaging"; Align-GVGD: "Class C15"). Algorithms developed to predict the effect of sequence changes on RNA splicing suggest that this variant may create or strengthen a splice site. In summary, the available evidence is currently insufficient to determine the role of this variant in disease. Therefore, it has been classified as a Variant of Uncertain Significance.

Johns Hopkins Genomics, Johns Hopkins University
Classification: Uncertain significance for Cystic fibrosis. Last evaluated: 2020-05-06. Review status: criteria provided, single submitter. Criteria: ACMG Guidelines, 2015. Collection method: clinical testing. Allele origin: germline.
Comment: CFTR c.2428A>G has been previously identified in individuals who do not have features of classic cystic fibrosis. This CFTR variant (rs377447726) is rare (<0.1%) in a large population dataset (gnomAD: 5/180998 total alleles; 0.0028%; no homozygotes). It is present in ClinVar, however no classification is provided. Of three bioinformatics tools queried, two predict that p.Arg810Gly would probably be damaging, while one predicts that it would be tolerated. The arginine residue at this position is evolutionarily conserved across all species assessed. Due to the lack of phenotype and functional data, we consider the clinical significance of c.2428A>G to be uncertain at this time.

Natera, Inc.
Classification: Uncertain significance for CFTR-related disorders. Last evaluated: 2017-09-15. Review status: no assertion criteria provided. Collection method: clinical testing. Allele origin: germline. Not counted in ClinVar's aggregate classification.

ClinVar Staff, National Center for Biotechnology Information (NCBI)
No classification provided. Condition: CFTR-related disorders. Review status: no classification provided. Collection method: literature only. Allele origin: germline. Affected: yes. Not counted in ClinVar's aggregate classification.

Literature cited by the submitters: PubMed 28830496 (cited by Women's Health and Genetics/Laboratory Corporation of America, LabCorp and Ambry Genetics); PubMed 34996830 (cited by Women's Health and Genetics/Laboratory Corporation of America, LabCorp and Quest Diagnostics Nichols Institute San Juan Capistrano); PubMed 30389600 (cited by Women's Health and Genetics/Laboratory Corporation of America, LabCorp); PubMed 16572913 (cited by 6 submitters); PubMed 38388235 (cited by 3 submitters); PubMed 30600261 (cited by Mayo Clinic Laboratories, Mayo Clinic and Quest Diagnostics Nichols Institute San Juan Capistrano); PubMed 35913788 (cited by Mayo Clinic Laboratories, Mayo Clinic and Quest Diagnostics Nichols Institute San Juan Capistrano); PubMed 26277102 (cited by Quest Diagnostics Nichols Institute San Juan Capistrano); PubMed 21455600 (cited by Johns Hopkins Genomics, Johns Hopkins University); PubMed 20059485 (cited by ClinVar Staff, National Center for Biotechnology Information (NCBI)).